The following is an entry in ClinVar:

NM_005219.5(DIAPH1):c.2192C>T (p.Pro731Leu)

Gene: DIAPH1 (diaphanous related formin 1; minus strand). Cytogenetic location: 5q31.3.
Variant type: single nucleotide variant.
Coding change: c.2192C>T on transcript NM_005219.5 (MANE Select); coding-DNA position 2192, C replaced by T.
Protein change: p.Pro731Leu; replaces proline 731 with leucine.
Molecular consequence: missense variant.
Genome position (GRCh38, 1-based): chr5:141,573,658, G>A on the plus strand (C>T on the coding strand, the complement: DIAPH1 is on the minus strand). VCF-style: chr5-141573658-G-A. GRCh37 (hg19) VCF-style: chr5-140953225-G-A.
Other names: c.2165C>T, p.Pro722Leu (NM_001079812.3); c.2192C>T, p.Pro731Leu (NM_001314007.2); short protein forms P722L, P731L.
Identifiers: ClinVar variation 3899600 (VCV003899600.1).

ClinVar aggregate classification (germline): Uncertain significance (1 of 4 stars; one submission).

Submission:

GeneDx
Classification: Uncertain significance. Last evaluated: 2024-11-11. Review status: criteria provided, single submitter. Criteria: GeneDx Variant Classification Process June 2021. Collection method: clinical testing. Allele origin: germline. Affected: yes.
Comment: Not observed at significant frequency in large population cohorts (gnomAD); In silico analysis indicates that this missense variant does not alter protein structure/function; Has not been previously published as pathogenic or benign to our knowledge